The following is an entry in ClinVar:

NM_001371986.1(UNC80):c.3428A>C (p.Glu1143Ala)

Gene: UNC80 (unc-80 homolog, NALCN channel complex subunit; plus strand). Cytogenetic location: 2q34.
Variant type: single nucleotide variant.
Coding change: c.3428A>C on transcript NM_001371986.1 (MANE Select); coding-DNA position 3428, A replaced by C.
Protein change: p.Glu1143Ala; replaces glutamic acid 1143 with alanine.
Molecular consequence: missense variant.
Genome position (GRCh38, 1-based): chr2:209,842,420, A>C. VCF-style: chr2-209842420-A-C. GRCh37 (hg19) VCF-style: chr2-210707144-A-C.
Other names: c.3434A>C, p.Glu1145Ala (NM_032504.2); c.3419A>C, p.Glu1140Ala (NM_182587.4); c.3434A>C (NM_032504.1); short protein forms E1140A, E1145A, E1143A.
Identifiers: ClinVar variation 1408418 (VCV001408418.7), dbSNP rs78912192, ClinGen allele CA2083127.

ClinVar aggregate classification (germline): Conflicting classifications of pathogenicity. Review status: criteria provided, conflicting classifications (1 of 4 stars). 3 submissions from 3 submitters: Uncertain significance (1); Likely benign (1). 1 of the submissions does not count toward it. Last evaluated 2025-01-30.

Conditions:
UNC80-related disorder. Also called: UNC80-related condition.
Inborn genetic diseases. Identifiers: MedGen C0950123, MeSH D030342.

Allele frequency attached by ClinVar (database versions not stated): ExAC 0.00028; gnomAD exomes 0.00051 and 0.00086; 1000 Genomes Project 0.00060; 1000 Genomes Project 30x 0.00062; gnomAD 0.00063 and 0.00065; TOPMed 0.00071; ESP Exome Variant Server 0.00088.
gnomAD v4.1: 1,288 of 1,550,916 alleles (0.083%); highest among the groups gnomAD compares: Non-Finnish European, 0.1%; 2 homozygotes.

Submissions (3):

Labcorp Genetics (formerly Invitae), Labcorp
Classification: Uncertain significance. Last evaluated: 2025-01-30. Review status: criteria provided, single submitter. Criteria: Invitae Variant Classification Sherloc (09022015). Collection method: clinical testing. Allele origin: germline.
Comment: This sequence change replaces glutamic acid with alanine at codon 1145 of the UNC80 protein (p.Glu1145Ala). The glutamic acid residue is moderately conserved and there is a moderate physicochemical difference between glutamic acid and alanine. This variant is present in population databases (rs78912192, gnomAD 0.09%), including at least one homozygous and/or hemizygous individual. This variant has not been reported in the literature in individuals affected with UNC80-related conditions. ClinVar contains an entry for this variant (Variation ID: 1408418). An algorithm developed to predict the effect of missense changes on protein structure and function (PolyPhen-2) suggests that this variant is likely to be disruptive. In summary, the available evidence is currently insufficient to determine the role of this variant in disease. Therefore, it has been classified as a Variant of Uncertain Significance.

Ambry Genetics
Classification: Likely benign for Inborn genetic diseases. Last evaluated: 2025-01-06. Review status: criteria provided, single submitter. Criteria: Ambry Variant Classification Scheme 2023. Collection method: clinical testing. Allele origin: germline.

PreventionGenetics, part of Exact Sciences
Classification: Likely benign for UNC80-related condition. Last evaluated: 2023-10-03. Review status: no assertion criteria provided. Collection method: clinical testing. Allele origin: germline. Not counted in ClinVar's aggregate classification.
Comment: This variant is classified as likely benign based on ACMG/AMP sequence variant interpretation guidelines (Richards et al. 2015 PMID: 25741868, with internal and published modifications).